The following is an entry in ClinVar:

NM_000059.4(BRCA2):c.5522C>T (p.Pro1841Leu)

Gene: BRCA2 (BRCA2 DNA repair associated; plus strand). Cytogenetic location: 13q13.1.
Variant type: single nucleotide variant.
Coding change: c.5522C>T on transcript NM_000059.4 (MANE Select); coding-DNA position 5522, C replaced by T.
Protein change: p.Pro1841Leu; replaces proline 1841 with leucine.
Molecular consequence: missense variant. On other transcripts: non-coding transcript variant (1), intron variant (2).
Genome position (GRCh38, 1-based): chr13:32,339,877, C>T. VCF-style: chr13-32339877-C-T. GRCh37 (hg19) VCF-style: chr13-32914014-C-T.
Other names: c.5522C>T, p.Pro1841Leu (NM_001406719.1, NM_001406720.1, NM_001432077.1); c.1910-4681C>T (NM_001406721.1); c.425-4681C>T (NM_001406722.1); short protein forms P1841L.
Identifiers: ClinVar variation 5033327 (VCV005033327.1).

ClinVar aggregate classification (germline): Uncertain significance (1 of 4 stars; one submission).

Conditions:
Hereditary cancer-predisposing syndrome. Also called: Neoplastic Syndromes, Hereditary; Tumor predisposition; Hereditary neoplastic syndrome; Hereditary Cancer Syndrome. Identifiers: Orphanet 140162, MedGen C0027672, MeSH D009386, MONDO:0015356.

Submission:

Ambry Genetics
Classification: Uncertain significance for Hereditary cancer-predisposing syndrome. Last evaluated: 2026-08-05. Review status: criteria provided, single submitter. Criteria: Ambry Variant Classification Scheme 2023. Collection method: clinical testing. Allele origin: germline.
Comment: The p.P1841L variant (also known as c.5522C>T), located in coding exon 10 of the BRCA2 gene, results from a C to T substitution at nucleotide position 5522. The proline at codon 1841 is replaced by leucine, an amino acid with similar properties. This amino acid position is not well conserved in available vertebrate species. In addition, this alteration is predicted to be tolerated by in silico analysis. Based on the available evidence, the clinical significance of this variant remains unclear.